The following is an entry in ClinVar:

NM_001134407.3(GRIN2A):c.3413A>G (p.Asn1138Ser)

Gene: GRIN2A (glutamate ionotropic receptor NMDA type subunit 2A; minus strand). Cytogenetic location: 16p13.2.
Variant type: single nucleotide variant.
Coding change: c.3413A>G on transcript NM_001134407.3 (MANE Select); coding-DNA position 3413, A replaced by G.
Protein change: p.Asn1138Ser; replaces asparagine 1138 with serine.
Molecular consequence: missense variant.
Genome position (GRCh38, 1-based): chr16:9,764,131, T>C on the plus strand (A>G on the coding strand, the complement: GRIN2A is on the minus strand). VCF-style: chr16-9764131-T-C. GRCh37 (hg19) VCF-style: chr16-9857988-T-C.
Other names: c.3413A>G, p.Asn1138Ser (NM_000833.5, NM_001134408.2); short protein forms N1138S.
Identifiers: ClinVar variation 1052850 (VCV001052850.12), dbSNP rs367543135, ClinGen allele CA394707917.

ClinVar aggregate classification (germline): Uncertain significance (1 of 4 stars; one submission).

Conditions:
Landau-Kleffner syndrome (FESD). Also called: APHASIA, ACQUIRED, WITH EPILEPSY; EPILEPSY, FOCAL, WITH SPEECH DISORDER AND WITH OR WITHOUT MENTAL RETARDATION. Identifiers: Orphanet 1945, Orphanet 725, Orphanet 98818, MedGen C0282512, MONDO:0009509, OMIM 245570.

gnomAD v4.1: 1 of 1,613,596 alleles (0.000062%); highest among the groups gnomAD compares: Non-Finnish European, 0.000085%; no homozygotes.

Submission:

Labcorp Genetics (formerly Invitae), Labcorp
Classification: Uncertain significance for Landau-Kleffner syndrome. Last evaluated: 2020-01-09. Review status: criteria provided, single submitter. Criteria: Invitae Variant Classification Sherloc (09022015). Collection method: clinical testing. Allele origin: germline.
Comment: In summary, the available evidence is currently insufficient to determine the role of this variant in disease. Therefore, it has been classified as a Variant of Uncertain Significance. Algorithms developed to predict the effect of missense changes on protein structure and function output the following: SIFT: "Tolerated"; PolyPhen-2: "Benign"; Align-GVGD: "Class C0". The serine amino acid residue is found in multiple mammalian species, suggesting that this missense change does not adversely affect protein function. These predictions have not been confirmed by published functional studies and their clinical significance is uncertain. This variant has not been reported in the literature in individuals with GRIN2A-related conditions. This variant is not present in population databases (ExAC no frequency). This sequence change replaces asparagine with serine at codon 1138 of the GRIN2A protein (p.Asn1138Ser). The asparagine residue is moderately conserved and there is a small physicochemical difference between asparagine and serine.